The following is an entry in ClinVar:

ClinVar aggregate classification (germline): Pathogenic. Review status: criteria provided, multiple submitters, no conflicts (2 of 4 stars). 3 submissions from 3 submitters: Pathogenic (3). Last evaluated 2026-02-23.

Conditions:
NAA15-related disorder.
Intellectual developmental disorder, autosomal dominant 50, with behavioral abnormalities. Also called: Intellectual disability, autosomal dominant 50; MENTAL RETARDATION, AUTOSOMAL DOMINANT 50. Identifiers: MedGen C4540470, MONDO:0030916, OMIM 617787.

Submissions (3):

GeneDx
Classification: Pathogenic. Last evaluated: 2026-02-23. Review status: criteria provided, single submitter. Criteria: GeneDx Variant Classification Process June 2021. Collection method: clinical testing. Allele origin: germline.
Comment: Nonsense variant predicted to result in protein truncation or nonsense mediated decay in a gene for which loss of function is a known mechanism of disease; Not observed at significant frequency in large population cohorts (gnomAD); This variant is associated with the following publications: (PMID: 25363760, 31785789, 28714951, 35982159, 28191890, 35982160, 27824329)

Genetics and Molecular Pathology, SA Pathology
Classification: Pathogenic for Intellectual developmental disorder, autosomal dominant 50, with behavioral abnormalities. Last evaluated: 2023-06-27. Review status: criteria provided, single submitter. Criteria: ACMG Guidelines, 2015. Collection method: clinical testing. Allele origin: germline. Inheritance: Autosomal dominant inheritance. Affected: yes.
Comment: The NAA15 c.309C>G variant is classified as a PATHOGENIC variant (PVS1, PS2, PS4_moderate, PM2) This variant is a single nucleotide change in exon 4/20 of the NAA15 gene which is predicted to result in premature terminantion of the protein product at codon 103 with loss-of-function of the resultant protein. Loss of function of NAA15 is a known mechanism of disease in this gene (PVS1). This variant has been reported as de novo in multiple probands with a clinical presentation of austim spectrum disorder (PMID: 27824329, 25363760, 28714951) (PS4_moderate). This variant is not in dbSNP and is absent from population databases (PM2). The variant has not reported in ClinVar. The variant has been reported in HGMD (accession no.: CM1617426) as disease causing. Clinical review is recommended.

Blueprint Genetics
Classification: Pathogenic for NAA15-related disorders. Last evaluated: 2022-03-21. Review status: criteria provided, single submitter. Criteria: ACMG Guidelines, 2015. Collection method: clinical testing. Allele origin: germline. Affected: yes. Observed: 1 variant allele.

Literature cited by the submitters: PubMed 25363760 (cited by Genetics and Molecular Pathology, SA Pathology); PubMed 27824329 (cited by Genetics and Molecular Pathology, SA Pathology); PubMed 28714951 (cited by Genetics and Molecular Pathology, SA Pathology).

NM_057175.5(NAA15):c.309C>G (p.Tyr103Ter)

Gene: NAA15 (N-alpha-acetyltransferase 15, NatA auxiliary subunit; plus strand). Cytogenetic location: 4q31.1.
Variant type: single nucleotide variant.
Coding change: c.309C>G on transcript NM_057175.5 (MANE Select); coding-DNA position 309, C replaced by G.
Protein change: p.Tyr103Ter; replaces tyrosine 103 with a stop codon.
Molecular consequence: nonsense.
Genome position (GRCh38, 1-based): chr4:139,340,976, C>G. VCF-style: chr4-139340976-C-G. GRCh37 (hg19) VCF-style: chr4-140262130-C-G.
Other names: c.309C>G, p.Tyr103Ter (NM_001410842.1, NM_025085.2); c.309C>G (NM_057175.3); short protein forms Y103*.
Identifiers: ClinVar variation 2664796 (VCV002664796.3), dbSNP rs2530368656, ClinGen allele CA358259752.